The following is an entry in ClinVar:

NM_000875.5(IGF1R):c.*6793dup

Gene: IGF1R (insulin like growth factor 1 receptor; plus strand). Cytogenetic location: 15q26.3.
Variant type: Duplication.
Coding change: c.*6793dup on transcript NM_000875.5 (MANE Select); 6793 bases downstream of the stop codon, one base duplicated (A; older notation c.*6793dupA).
Molecular consequence: 3 prime UTR variant.
Genome position (GRCh38, 1-based): chr15:98,964,235, A duplicated; the last of 9 consecutive A bases (chr15:98,964,227-98,964,235); duplicating any one gives the same sequence. VCF-style (leftmost placement, unchanged base first): chr15-98964226-G-GA. GRCh37 (hg19) VCF-style: chr15-99507455-G-GA.
Other names: c.*6793dup (NM_001291858.2).
Identifiers: ClinVar variation 317654 (VCV000317654.29), dbSNP rs530447246, ClinGen allele CA10647609.

ClinVar aggregate classification (germline): Likely benign (1 of 4 stars; one submission).

Submission:

CeGaT Center for Human Genetics Tuebingen
Classification: Likely benign. Last evaluated: 2023-05-01. Review status: criteria provided, single submitter. Criteria: CeGaT Center For Human Genetics Tuebingen Variant Classification Criteria Version 2. Collection method: clinical testing. Allele origin: germline. Affected: yes. Observed: 2 variant alleles.
Comment: IGF1R: BS1